The following is an entry in ClinVar:

ClinVar aggregate classification (germline): Uncertain significance (1 of 4 stars; one submission).

Conditions:
Hereditary cancer-predisposing syndrome. Also called: Tumor predisposition; Neoplastic Syndromes, Hereditary; Hereditary Cancer Syndrome; Hereditary neoplastic syndrome. Identifiers: Orphanet 140162, MedGen C0027672, MeSH D009386, MONDO:0015356.

gnomAD v4.1: 1 of 1,614,096 alleles (0.000062%); highest among the groups gnomAD compares: Non-Finnish European, 0.000085%; no homozygotes.

Submission:

Ambry Genetics
Classification: Uncertain significance for Hereditary cancer-predisposing syndrome. Last evaluated: 2024-08-15. Review status: criteria provided, single submitter. Criteria: Ambry Variant Classification Scheme 2023. Collection method: clinical testing. Allele origin: germline.
Comment: The p.D1161H variant (also known as c.3481G>C), located in coding exon 10 of the BRCA2 gene, results from a G to C substitution at nucleotide position 3481. The aspartic acid at codon 1161 is replaced by histidine, an amino acid with similar properties. This amino acid position is well conserved in available vertebrate species. In addition, this alteration is predicted to be tolerated by in silico analysis. Based on the available evidence, the clinical significance of this variant remains unclear.

NM_000059.4(BRCA2):c.3481G>C (p.Asp1161His)

Gene: BRCA2 (BRCA2 DNA repair associated; plus strand). Cytogenetic location: 13q13.1.
Variant type: single nucleotide variant.
Coding change: c.3481G>C on transcript NM_000059.4 (MANE Select); coding-DNA position 3481, G replaced by C.
Protein change: p.Asp1161His; replaces aspartic acid 1161 with histidine.
Molecular consequence: missense variant. On other transcripts: intron variant (2), non-coding transcript variant (1).
Genome position (GRCh38, 1-based): chr13:32,337,836, G>C. VCF-style: chr13-32337836-G-C. GRCh37 (hg19) VCF-style: chr13-32911973-G-C.
Other names: c.425-6722G>C (NM_001406722.1); c.3481G>C, p.Asp1161His (NM_001406719.1, NM_001406720.1, NM_001432077.1); c.1909+4449G>C (NM_001406721.1); short protein forms D1161H.
Identifiers: ClinVar variation 3482051 (VCV003482051.1).